The following is an entry in ClinVar:

NM_001201551.1(CFHR4):c.-33981_58+5231del

Genes: CFHR4 (complement factor H related 4; plus strand), LOC126805964 (CDK7 strongly-dependent group 2 enhancer GRCh37_chr1:196827453-196828652; plus strand). Cytogenetic location: 1q31.3.
Variant type: Deletion.
Coding change: c.-33981_58+5231del on transcript NM_001201551.1; 33981 bases upstream of the start codon through 5231 bases into the intron after coding-DNA position 58, this stretch deleted.
Identifiers: ClinVar variation 156765 (VCV000156765.2).

ClinVar aggregate classification (germline): not provided (0 of 4 stars; one submission).

Conditions:
Gestational diabetes mellitus uncontrolled. Identifiers: MedGen C3532257.

Submission:

Institute of Molecular and Cell Biology, University of Tartu
No classification provided. Condition: Gestational diabetes mellitus uncontrolled. Review status: no classification provided. Collection method: case-control. Allele origin: unknown. Affected: yes. Study: Kasak2014.
Comment: The study aimed to determine the contribution of copy number variants in the genetic etiology of normal and complicated pregnancies. The samples represented (i) maternal blood DNA drawn from healthy pregnant women during 1st or 2nd trimester and (ii) maternal and paternal blood DNA drawn at term pregnancy cases representing normal and complicated gestations (severe preeclampsia, PE; gestational diabetes, GD; small-for-gestational age newborn, SGA; large-for-gestational age newborn, LGA). We performed CNV calling based on genome-wide genotyping dataset (Illumina HumanOmniExpress-24-v1 BeadChip) by applying three algorithms, QuantiSNP, GADA (Genome Alteration Detection Algorithm) and CNstream in parallel. The acquired CNV calls were merged with HD-CNV (Hotspot Detector for Copy Number Variants) program and only the CNVs predicted by at least two programs, were considered in subsequent analysis.

Literature cited by the submitters: PubMed 25666259.